The following is an entry in ClinVar:

ClinVar aggregate classification (germline): Uncertain significance (1 of 4 stars; one submission).

Allele frequency attached by ClinVar (database versions not stated): TOPMed below 0.00001; gnomAD exomes below 0.00001.
gnomAD v4.1: 1 of 1,603,578 alleles (0.000062%); highest among the groups gnomAD compares: East Asian, 0.0022%; no homozygotes.

Submission:

GeneDx
Classification: Uncertain significance. Last evaluated: 2016-03-04. Review status: criteria provided, single submitter. Criteria: GeneDx Variant Classification (06012015). Collection method: clinical testing. Allele origin: germline. Affected: yes.
Comment: This variant is denoted BRIP1 c.1141-6T>G or IVS8-6T>G and consists of a T>G nucleotide substitution at the -6 position of intron 8 of the BRIP1 gene. Multiple in silico models predict this variant to damage the nearby natural acceptor site and to possibly cause abnormal gene splicing; however, in the absence of RNA or functional studies, the actual effect of this variant is unknown. This variant has not, to our knowledge, been published in the literature as pathogenic or benign. BRIP1 c.1141-6T>G was not observed in approximately 6,500 individuals of European and African American ancestry in the NHLBI Exome Sequencing Project, suggesting it is not a common benign variant in these populations. The thymine (T) nucleotide that is altered is conserved across species. Based on currently available information, it is unclear whether BRIP1 c.1141-6T>G is pathogenic or benign. We consider it to be a variant of uncertain significance.

NM_032043.3(BRIP1):c.1141-6T>G

Gene: BRIP1 (BRCA1 interacting helicase 1; minus strand). Cytogenetic location: 17q23.2.
Variant type: single nucleotide variant.
Coding change: c.1141-6T>G on transcript NM_032043.3 (MANE Select); 6 bases into the intron before coding-DNA position 1141, T replaced by G.
Molecular consequence: intron variant.
Genome position (GRCh38, 1-based): chr17:61,799,305, A>C on the plus strand (T>G on the coding strand, the complement: BRIP1 is on the minus strand). VCF-style: chr17-61799305-A-C. GRCh37 (hg19) VCF-style: chr17-59876666-A-C.
Identifiers: ClinVar variation 234885 (VCV000234885.2), dbSNP rs876661277, ClinGen allele CA10577563.